The following is an entry in ClinVar:

ClinVar aggregate classification (germline): Benign. Review status: criteria provided, single submitter (1 of 4 stars). 2 submissions from 2 submitters: Benign (1). 1 of the submissions does not count toward it. Last evaluated 2019-12-31.

Conditions:
PTPRD-related disorder. Also called: PTPRD-related condition.

Allele frequency attached by ClinVar (database versions not stated): gnomAD 0.00453 and 0.00480; gnomAD exomes 0.00486; ESP Exome Variant Server 0.00193; 1000 Genomes Project 0.00200; TOPMed 0.00210; 1000 Genomes Project 30x 0.00219; ExAC 0.00427.
gnomAD v4.1: 6,449 of 1,572,890 alleles (0.41%); highest among the groups gnomAD compares: Non-Finnish European, 0.33%; 61 homozygotes.

Submissions (2):

Labcorp Genetics (formerly Invitae), Labcorp
Classification: Benign. Last evaluated: 2019-12-31. Review status: criteria provided, single submitter. Criteria: Invitae Variant Classification Sherloc (09022015). Collection method: clinical testing. Allele origin: germline.

PreventionGenetics, part of Exact Sciences
Classification: Likely benign for PTPRD-related condition. Last evaluated: 2019-03-01. Review status: no assertion criteria provided. Collection method: clinical testing. Allele origin: germline. Not counted in ClinVar's aggregate classification.
Comment: This variant is classified as likely benign based on ACMG/AMP sequence variant interpretation guidelines (Richards et al. 2015 PMID: 25741868, with internal and published modifications).

NM_002839.4(PTPRD):c.551-4C>G

Gene: PTPRD (protein tyrosine phosphatase receptor type D; minus strand). Cytogenetic location: 9p24.1.
Variant type: single nucleotide variant.
Coding change: c.551-4C>G on transcript NM_002839.4 (MANE Select); 4 bases into the intron before coding-DNA position 551, C replaced by G.
Molecular consequence: intron variant.
Genome position (GRCh38, 1-based): chr9:8,526,648, G>C on the plus strand (C>G on the coding strand, the complement: PTPRD is on the minus strand). VCF-style: chr9-8526648-G-C. GRCh37 (hg19) VCF-style: chr9-8526648-G-C.
Other names: c.550+697C>G (NM_001171025.2, NM_001377946.1, NM_130393.3); c.551-4C>G (NM_001378058.1, NM_001377958.1, NM_130391.4 and 1 more transcripts); c.542-4C>G (NM_001377947.1, NM_001040712.2).
Identifiers: ClinVar variation 723127 (VCV000723127.6), dbSNP rs142871508, ClinGen allele CA4984834.